The following is an entry in ClinVar:

ClinVar aggregate classification (germline): Uncertain significance (1 of 4 stars; one submission).

Allele frequency attached by ClinVar (database versions not stated): gnomAD 0.00001; TOPMed 0.00001; ExAC 0.00002.
gnomAD v4.1: 12 of 1,613,954 alleles (0.00074%); highest among the groups gnomAD compares: Non-Finnish European, 0.00093%; no homozygotes.

Submission:

Ambry Genetics
Classification: Uncertain significance. Last evaluated: 2025-12-24. Review status: criteria provided, single submitter. Criteria: Ambry Variant Classification Scheme 2023. Collection method: clinical testing. Allele origin: germline.
Comment: The c.303C>A (p.H101Q) alteration is located in exon 3 (coding exon 3) of the VPS18 gene. This alteration results from a C to A substitution at nucleotide position 303, causing the histidine (H) at amino acid position 101 to be replaced by a glutamine (Q). Based on data from gnomAD, the A allele has an overall frequency of 0.001% (2/251266) total alleles studied. The highest observed frequency was 0.002% (2/113640) of European (non-Finnish) alleles. Based on insufficient or conflicting evidence, the clinical significance of this alteration remains unclear.

NM_020857.3(VPS18):c.303C>A (p.His101Gln)

Gene: VPS18 (VPS18 core subunit of CORVET and HOPS complexes; plus strand). Cytogenetic location: 15q15.1.
Variant type: single nucleotide variant.
Coding change: c.303C>A on transcript NM_020857.3 (MANE Select); coding-DNA position 303, C replaced by A.
Protein change: p.His101Gln; replaces histidine 101 with glutamine.
Molecular consequence: missense variant.
Genome position (GRCh38, 1-based): chr15:40,898,976, C>A. VCF-style: chr15-40898976-C-A. GRCh37 (hg19) VCF-style: chr15-41191174-C-A.
Other names: c.303C>A, p.His101Gln (NM_080432.1); short protein forms H101Q.
Identifiers: ClinVar variation 2318266 (VCV002318266.3), dbSNP rs757206323, ClinGen allele CA7487000.